The following is an entry in ClinVar:

NM_022482.5(GZF1):c.314G>A (p.Arg105Gln)

Gene: GZF1 (GDNF inducible zinc finger protein 1; plus strand). Cytogenetic location: 20p11.21.
Variant type: single nucleotide variant.
Coding change: c.314G>A on transcript NM_022482.5 (MANE Select); coding-DNA position 314, G replaced by A.
Protein change: p.Arg105Gln; replaces arginine 105 with glutamine.
Molecular consequence: missense variant.
Genome position (GRCh38, 1-based): chr20:23,364,697, G>A. VCF-style: chr20-23364697-G-A. GRCh37 (hg19) VCF-style: chr20-23345334-G-A.
Other names: c.314G>A, p.Arg105Gln (NM_001317012.2, NM_001317019.1); short protein forms R105Q.
Identifiers: ClinVar variation 1404136 (VCV001404136.6), dbSNP rs749264121, ClinGen allele CA9788495.

ClinVar aggregate classification (germline): Uncertain significance (1 of 4 stars; one submission).

Allele frequency attached by ClinVar (database versions not stated): gnomAD 0.00001 and 0.00003; TOPMed 0.00001; gnomAD exomes 0.00003 and 0.00005; ExAC 0.00009.
gnomAD v4.1: 43 of 1,614,248 alleles (0.0027%); highest among the groups gnomAD compares: South Asian, 0.04%; 1 homozygote.

Submission:

Labcorp Genetics (formerly Invitae), Labcorp
Classification: Uncertain significance. Last evaluated: 2024-10-21. Review status: criteria provided, single submitter. Criteria: Invitae Variant Classification Sherloc (09022015). Collection method: clinical testing. Allele origin: germline.
Comment: This sequence change replaces arginine, which is basic and polar, with glutamine, which is neutral and polar, at codon 105 of the GZF1 protein (p.Arg105Gln). This variant is present in population databases (rs749264121, gnomAD 0.03%). This variant has not been reported in the literature in individuals affected with GZF1-related conditions. ClinVar contains an entry for this variant (Variation ID: 1404136). An algorithm developed to predict the effect of missense changes on protein structure and function (PolyPhen-2) suggests that this variant is likely to be disruptive. In summary, the available evidence is currently insufficient to determine the role of this variant in disease. Therefore, it has been classified as a Variant of Uncertain Significance.